The following is an entry in ClinVar:

ClinVar aggregate classification (germline): Uncertain significance. Review status: criteria provided, multiple submitters, no conflicts (2 of 4 stars). 2 submissions from 2 submitters: Uncertain significance (2). Last evaluated 2025-08-12.

Conditions:
Inborn genetic diseases. Identifiers: MedGen C0950123, MeSH D030342.

gnomAD v4.1: 9 of 1,612,104 alleles (0.00056%); highest among the groups gnomAD compares: South Asian, 0.0055%; no homozygotes.

Submissions (2):

Labcorp Genetics (formerly Invitae), Labcorp
Classification: Uncertain significance. Last evaluated: 2025-08-12. Review status: criteria provided, single submitter. Criteria: Invitae Variant Classification Sherloc (09022015). Collection method: clinical testing. Allele origin: germline.
Comment: This sequence change replaces arginine, which is basic and polar, with cysteine, which is neutral and slightly polar, at codon 1086 of the CACNA2D4 protein (p.Arg1086Cys). The frequency data for this variant in the population databases is considered unreliable, as metrics indicate poor data quality at this position in the gnomAD database. This variant has not been reported in the literature in individuals affected with CACNA2D4-related conditions. ClinVar contains an entry for this variant (Variation ID: 3994585). An algorithm developed to predict the effect of missense changes on protein structure and function (PolyPhen-2) suggests that this variant is likely to be disruptive. In summary, the available evidence is currently insufficient to determine the role of this variant in disease. Therefore, it has been classified as a Variant of Uncertain Significance.

Ambry Genetics
Classification: Uncertain significance for Inborn genetic diseases. Last evaluated: 2025-04-25. Review status: criteria provided, single submitter. Criteria: Ambry Variant Classification Scheme 2023. Collection method: clinical testing. Allele origin: germline.

NM_172364.5(CACNA2D4):c.3256C>T (p.Arg1086Cys)

Gene: CACNA2D4 (calcium voltage-gated channel auxiliary subunit alpha2delta 4; minus strand). Cytogenetic location: 12p13.33.
Variant type: single nucleotide variant.
Coding change: c.3256C>T on transcript NM_172364.5 (MANE Select); coding-DNA position 3256, C replaced by T.
Protein change: p.Arg1086Cys; replaces arginine 1086 with cysteine.
Molecular consequence: missense variant.
Genome position (GRCh38, 1-based): chr12:1,795,352, G>A on the plus strand (C>T on the coding strand, the complement: CACNA2D4 is on the minus strand). VCF-style: chr12-1795352-G-A. GRCh37 (hg19) VCF-style: chr12-1904518-G-A.
Other names: short protein forms R1086C.
Identifiers: ClinVar variation 3994585 (VCV003994585.2).